The following is an entry in ClinVar:

NM_016169.4(SUFU):c.580G>A (p.Val194Ile)

Gene: SUFU (SUFU negative regulator of hedgehog signaling; plus strand). Cytogenetic location: 10q24.32.
Variant type: single nucleotide variant.
Coding change: c.580G>A on transcript NM_016169.4 (MANE Select); coding-DNA position 580, G replaced by A.
Protein change: p.Val194Ile; replaces valine 194 with isoleucine.
Molecular consequence: missense variant.
Genome position (GRCh38, 1-based): chr10:102,592,707, G>A. VCF-style: chr10-102592707-G-A. GRCh37 (hg19) VCF-style: chr10-104352464-G-A.
Other names: c.580G>A, p.Val194Ile (NM_001178133.2); short protein forms V194I.
Identifiers: ClinVar variation 5030379 (VCV005030379.1).

ClinVar aggregate classification (germline): Uncertain significance (1 of 4 stars; one submission).

Conditions:
Hereditary cancer-predisposing syndrome. Also called: Neoplastic Syndromes, Hereditary; Tumor predisposition; Hereditary neoplastic syndrome; Hereditary Cancer Syndrome. Identifiers: Orphanet 140162, MedGen C0027672, MeSH D009386, MONDO:0015356.

gnomAD v4.1: 1 of 1,614,160 alleles (0.000062%); highest among the groups gnomAD compares: Non-Finnish European, 0.000085%; no homozygotes.

Submission:

Ambry Genetics
Classification: Uncertain significance for Hereditary cancer-predisposing syndrome. Last evaluated: 2026-07-06. Review status: criteria provided, single submitter. Criteria: Ambry Variant Classification Scheme 2023. Collection method: clinical testing. Allele origin: germline.
Comment: The p.V194I variant (also known as c.580G>A), located in coding exon 4 of the SUFU gene, results from a G to A substitution at nucleotide position 580. The valine at codon 194 is replaced by isoleucine, an amino acid with highly similar properties. This amino acid position is conserved. In addition, this alteration is predicted to be tolerated by in silico analysis. Based on the available evidence, the clinical significance of this variant remains unclear.